The following is an entry in ClinVar:

NM_001267550.2(TTN):c.18776C>G (p.Thr6259Ser)

Genes: TTN (titin; minus strand), LOC126806430 (BRD4-independent group 4 enhancer GRCh37_chr2:179593794-179594993; plus strand). Cytogenetic location: 2q31.2.
Variant type: single nucleotide variant.
Coding change: c.18776C>G on transcript NM_001267550.2 (MANE Select); coding-DNA position 18776, C replaced by G.
Protein change: p.Thr6259Ser; replaces threonine 6259 with serine.
Molecular consequence: missense variant. On other transcripts: intron variant (3).
Genome position (GRCh38, 1-based): chr2:178,729,380, G>C on the plus strand (C>G on the coding strand, the complement: TTN is on the minus strand). VCF-style: chr2-178729380-G-C. GRCh37 (hg19) VCF-style: chr2-179594107-G-C.
Other names: p.T5015S:ACC>AGC; p.Thr5942Ser; c.17825C>G, p.Thr5942Ser (NM_001256850.1); c.15044C>G, p.Thr5015Ser (NM_133378.4); c.13282+8702C>G (NM_003319.4); c.13858+8702C>G (NM_133437.4); c.13657+8702C>G (NM_133432.3); c.18776C>G (NM_001267550.1); short protein forms T6259S, T5015S, T5942S.
Identifiers: ClinVar variation 46644 (VCV000046644.87), dbSNP rs72648949, ClinGen allele CA138843.

ClinVar aggregate classification (germline): Conflicting classifications of pathogenicity. Review status: criteria provided, conflicting classifications (1 of 4 stars). 27 submissions from 23 submitters: Uncertain significance (3); Benign (13); Likely benign (5). 6 of the submissions do not count toward it. Last evaluated 2026-08-01.

Conditions:
Primary dilated cardiomyopathy (DCM). Also called: Dilated Cardiomyopathy. Identifiers: Orphanet 217604, MedGen C0007193, MeSH D002311, MONDO:0005021, HP:0001644. Inheritance: Various modes of inheritance.
Atrial fibrillation. Identifiers: MedGen C0004238, MONDO:0004981, HP:0005110.
Arrhythmogenic right ventricular cardiomyopathy (ARVD). Also called: Arrhythmogenic cardiomyopathy; Arrhythmogenic Right Ventricular Cardiomyopathy (ARVC); Cardiomyopathy, ARVC; Arrhythmogenic right ventricular dysplasia. Identifiers: Orphanet 247, MedGen C0349788, MeSH D019571, MONDO:0016587. Disease mechanism: loss of function. Inheritance: Various modes of inheritance.
Cardiovascular phenotype. Identifiers: MedGen CN230736.
Dilated cardiomyopathy 1G (CMD1G). Identifiers: Orphanet 154, MedGen C1858763, MONDO:0011400, OMIM 604145.
Autosomal recessive limb-girdle muscular dystrophy type 2J (LGMDR10). Also called: MUSCULAR DYSTROPHY, LIMB-GIRDLE, AUTOSOMAL RECESSIVE 10; Limb-girdle muscular dystrophy, type 2J. Identifiers: Orphanet 140922, MedGen C1837342, MONDO:0012127, OMIM 608807.
Cardiomyopathy (CMYO). Also called: Cardiomyopathies. Identifiers: Orphanet 167848, MedGen C0878544, MONDO:0004994, HP:0001638. Inheritance: Various modes of inheritance.
Early-onset myopathy with fatal cardiomyopathy (CMYO5). Also called: CONGENITAL MYOPATHY 5 WITH CARDIOMYOPATHY; Salih Myopathy. Identifiers: Orphanet 289377, MedGen C2673677, MONDO:0012714, OMIM 611705. Disease mechanism: loss of function.
Myopathy, myofibrillar, 9, with early respiratory failure (MFM9). Also called: Myopathy, distal, with early respiratory failure, autosomal dominant; Hereditary myopathy with early respiratory failure; MYOPATHY, PROXIMAL, WITH EARLY RESPIRATORY MUSCLE INVOLVEMENT; EDSTROM MYOPATHY. Identifiers: Orphanet 178464, Orphanet 34521, MedGen C1863599, MONDO:0011362, OMIM 603689.
Tibial muscular dystrophy (TMD). Also called: Udd Distal Myopathy – Tibial Muscular Dystrophy; Tibial muscular dystrophy, tardive; UDD MYOPATHY. Identifiers: Orphanet 609, MedGen C1838244, MONDO:0010870, OMIM 600334.

Allele frequency attached by ClinVar (database versions not stated): gnomAD 0.00262 and 0.00259; TOPMed 0.00270; ExAC 0.00298; 1000 Genomes Project 0.00060; 1000 Genomes Project 30x 0.00078; ESP Exome Variant Server 0.00338.
gnomAD v4.1: 4,431 of 1,613,572 alleles (0.27%); highest among the groups gnomAD compares: Middle Eastern, 1.3%; 17 homozygotes.

Submissions 1 to 16 of 27:

CeGaT Center for Human Genetics Tuebingen
Classification: Likely benign. Last evaluated: 2026-08-01. Review status: criteria provided, single submitter. Criteria: CeGaT Center For Human Genetics Tuebingen Variant Classification Criteria Version 2. Collection method: clinical testing. Allele origin: germline. Affected: yes. Observed: 80 variant alleles.
Comment: TTN: BP4, BS2

Labcorp Genetics (formerly Invitae), Labcorp
Classification: Benign for Dilated cardiomyopathy 1G; Autosomal recessive limb-girdle muscular dystrophy type 2J. Last evaluated: 2026-02-01. Review status: criteria provided, single submitter. Criteria: Invitae Variant Classification Sherloc (09022015). Collection method: clinical testing. Allele origin: germline.

Molecular Diagnostic Laboratory for Inherited Cardiovascular Disease, Montreal Heart Institute
Classification: Benign. Last evaluated: 2025-04-09. Review status: criteria provided, single submitter. Criteria: ACMG Guidelines, 2015. Collection method: clinical testing. Allele origin: germline. Affected: no.

ARUP Laboratories, Molecular Genetics and Genomics, ARUP Laboratories
Classification: Benign. Last evaluated: 2025-03-10. Review status: criteria provided, single submitter. Criteria: ARUP Molecular Germline Variant Investigation Process 2024. Collection method: clinical testing. Allele origin: germline.

Athena Diagnostics
Classification: Benign. Last evaluated: 2025-02-24. Review status: criteria provided, single submitter. Criteria: Athena Diagnostics Criteria. Collection method: clinical testing. Allele origin: unknown.
Comment: The frequency of this variant in the general population is higher than would generally be expected for pathogenic variants in this gene.

Blueprint Genetics
Classification: Likely benign. Last evaluated: 2024-11-26. Review status: criteria provided, single submitter. Criteria: ACMG Guidelines, 2015. Collection method: clinical testing. Allele origin: germline.

Mayo Clinic Laboratories, Mayo Clinic
Classification: Benign. Last evaluated: 2024-06-06. Review status: criteria provided, single submitter. Criteria: ACMG Guidelines, 2015. Collection method: clinical testing. Allele origin: germline. Observed: 12 variant alleles.
Comment: BS1, BS2, BP4

Ambry Genetics
Classification: Benign for Cardiovascular phenotype. Last evaluated: 2020-05-12. Review status: criteria provided, single submitter. Criteria: Ambry Variant Classification Scheme 2023. Collection method: clinical testing. Allele origin: germline.

Women's Health and Genetics/Laboratory Corporation of America, LabCorp
Classification: Benign. Last evaluated: 2019-08-19. Review status: criteria provided, single submitter. Criteria: LabCorp Variant Classification Summary - May 2015. Collection method: clinical testing. Allele origin: germline.
Comment: Variant summary: TTN c.15044C>G (p.Thr5015Ser) results in a conservative amino acid change located in the I-band region of the encoded protein sequence. Four of five in-silico tools predict a benign effect of the variant on protein function. The variant allele was found at a frequency of 0.0032 in 247936 control chromosomes in the gnomAD database, including 3 homozygotes. The observed variant frequency is approximately 5.2 fold of the estimated maximal expected allele frequency for a pathogenic variant in TTN causing Cardiomyopathy phenotype (0.00063), strongly suggesting that the variant is benign. c.15044C>G has been reported in the literature in individuals affected with Cardiomyopathy (example Pugh_2014). These report(s) do not provide unequivocal conclusions about association of the variant with Cardiomyopathy. At-least one co-occurrence with another likely pathogenic variant has been reported in an individual with a clinical diagnosis and family history of DCM ( TTN c.50143+1G>A, Pugh_2014), providing supporting evidence for a benign role. To our knowledge, no experimental evidence demonstrating an impact on protein function has been reported. Five clinical diagnostic laboratories have submitted clinical-significance assessments for this variant to ClinVar after 2014 without evidence for independent evaluation (benign=2, likely benign = 2, VUS = 1). Based on the evidence outlined above, the variant was classified as benign.

Center for Advanced Laboratory Medicine, UC San Diego Health, University of California San Diego
Classification: Benign for Atrial fibrillation; Arrhythmogenic right ventricular cardiomyopathy; Dilated cardiomyopathy. Last evaluated: 2019-06-11. Review status: criteria provided, single submitter. Criteria: ACMG Guidelines, 2015. Collection method: clinical testing. Allele origin: germline. Affected: yes. Observed: 3 variant alleles.

Illumina Laboratory Services, Illumina
Classification: Benign for Myopathy, myofibrillar, 9, with early respiratory failure. Last evaluated: 2018-01-13. Review status: criteria provided, single submitter. Criteria: ICSL Variant Classification Criteria 13 December 2019. Collection method: clinical testing. Allele origin: germline.
Comment: This variant was observed in the ICSL laboratory as part of a predisposition screen in an ostensibly healthy population. It had not been previously curated by ICSL or reported in the Human Gene Mutation Database (HGMD: prior to June 1st, 2018), and was therefore a candidate for classification through an automated scoring system. Utilizing variant allele frequency, disease prevalence and penetrance estimates, and inheritance mode, an automated score was calculated to assess if this variant is too frequent to cause the disease. Based on the score and internal cut-off values, a variant classified as benign is not then subjected to further curation. The score for this variant resulted in a classification of benign for this disease.

Illumina Laboratory Services, Illumina
Classification: Benign for Tibial muscular dystrophy. Last evaluated: 2018-01-13. Review status: criteria provided, single submitter. Criteria: ICSL Variant Classification Criteria 13 December 2019. Collection method: clinical testing. Allele origin: germline.
Comment: the same text as in the submission from Illumina Laboratory Services, Illumina above.

Illumina Laboratory Services, Illumina
Classification: Uncertain significance for Early-onset myopathy with fatal cardiomyopathy. Last evaluated: 2018-01-13. Review status: criteria provided, single submitter. Criteria: ICSL Variant Classification Criteria 13 December 2019. Collection method: clinical testing. Allele origin: germline.

Illumina Laboratory Services, Illumina
Classification: Uncertain significance for Autosomal recessive limb-girdle muscular dystrophy type 2J. Last evaluated: 2018-01-13. Review status: criteria provided, single submitter. Criteria: ICSL Variant Classification Criteria 13 December 2019. Collection method: clinical testing. Allele origin: germline.

Illumina Laboratory Services, Illumina
Classification: Uncertain significance for Dilated cardiomyopathy 1G. Last evaluated: 2018-01-13. Review status: criteria provided, single submitter. Criteria: ICSL Variant Classification Criteria 13 December 2019. Collection method: clinical testing. Allele origin: germline.

CHEO Genetics Diagnostic Laboratory, Children's Hospital of Eastern Ontario
Classification: Benign for Cardiomyopathy. Last evaluated: 2017-11-21. Review status: criteria provided, single submitter. Criteria: ACMG Guidelines, 2015. Collection method: clinical testing. Allele origin: germline.